The following is an entry in ClinVar:

NM_003072.5(SMARCA4):c.2014G>C (p.Glu672Gln)

Gene: SMARCA4 (SWI/SNF related BAF chromatin remodeling complex subunit ATPase 4; plus strand). Cytogenetic location: 19p13.2.
Variant type: single nucleotide variant.
Coding change: c.2014G>C on transcript NM_003072.5 (MANE Select); coding-DNA position 2014, G replaced by C.
Protein change: p.Glu672Gln; replaces glutamic acid 672 with glutamine.
Molecular consequence: missense variant. On other transcripts: non-coding transcript variant (1).
Genome position (GRCh38, 1-based): chr19:11,007,914, G>C. VCF-style: chr19-11007914-G-C. GRCh37 (hg19) VCF-style: chr19-11118590-G-C.
Other names: c.2014G>C, p.Glu672Gln (NM_001387283.1, NM_001128844.3, NM_001128845.2 and 5 more transcripts); c.2014G>C (NM_001128849.1); short protein forms E672Q.
Identifiers: ClinVar variation 1301646 (VCV001301646.3), dbSNP rs2088394203, ClinGen allele CA404052391.
Genomic context (GRCh38, chr19:11,007,914, plus strand): 5'-CCCTCTCTGGGGGATGAACTGAGGTGACATGGGCTTGTCTCTTGGTAGGAGGAGGAGGAA[G>C]AGCAGCCGCAGGCAGCACAGCCTCCCACCCTGCCCGTGGAGGAGAAGAAGAAGATTCCAG-3'
Protein context (NP_003063.2, residues 662-682): SEEEEEEEEE[Glu672Gln]QPQAAQPPTL

ClinVar aggregate classification (germline): Uncertain significance. Review status: criteria provided, multiple submitters, no conflicts (2 of 4 stars). 2 submissions from 2 submitters: Uncertain significance (2). Last evaluated 2026-07-07.

Conditions:
Hereditary cancer-predisposing syndrome. Also called: Neoplastic Syndromes, Hereditary; Tumor predisposition; Hereditary Cancer Syndrome; Hereditary neoplastic syndrome. Identifiers: Orphanet 140162, MedGen C0027672, MeSH D009386, MONDO:0015356.
Intellectual disability, autosomal dominant 16 (CSS4). Also called: COFFIN-SIRIS SYNDROME 4. Identifiers: Orphanet 1465, MedGen C3553249, MONDO:0013821, OMIM 614609.

Submissions (2):

Ambry Genetics
Classification: Uncertain significance for Hereditary cancer-predisposing syndrome. Last evaluated: 2026-07-07. Review status: criteria provided, single submitter. Criteria: Ambry Variant Classification Scheme 2023. Collection method: clinical testing. Allele origin: germline.
Comment: The p.E672Q variant (also known as c.2014G>C), located in coding exon 13 of the SMARCA4 gene, results from a G to C substitution at nucleotide position 2014. The glutamic acid at codon 672 is replaced by glutamine, an amino acid with highly similar properties. This amino acid position is conserved. In addition, this alteration is predicted to be tolerated by in silico analysis. Based on the available evidence, the clinical significance of this variant remains unclear.

Dubai Health Genomic Medicine Center, Dubai Health
Classification: Uncertain significance for Intellectual disability, autosomal dominant 16. Last evaluated: 2021-02-18. Review status: criteria provided, single submitter. Criteria: ACMG Guidelines, 2015. Collection method: clinical testing. Allele origin: germline. Affected: yes.